The following is an entry in ClinVar:

ClinVar aggregate classification (germline): Uncertain significance (1 of 4 stars; one submission).

Conditions:
Hereditary cancer-predisposing syndrome. Also called: Neoplastic Syndromes, Hereditary; Tumor predisposition; Hereditary Cancer Syndrome; Hereditary neoplastic syndrome. Identifiers: Orphanet 140162, MedGen C0027672, MeSH D009386, MONDO:0015356.

Submission:

Ambry Genetics
Classification: Uncertain significance for Hereditary cancer-predisposing syndrome. Last evaluated: 2025-12-09. Review status: criteria provided, single submitter. Criteria: Ambry Variant Classification Scheme 2023. Collection method: clinical testing. Allele origin: germline.
Comment: The p.L285I variant (also known as c.853C>A), located in coding exon 10 of the MUTYH gene, results from a C to A substitution at nucleotide position 853. The leucine at codon 285 is replaced by isoleucine, an amino acid with highly similar properties. This amino acid position is conserved. In addition, this alteration is predicted to be deleterious by in silico analysis. Based on the available evidence, the clinical significance of this variant remains unclear.

NM_001048174.2(MUTYH):c.769C>A (p.Leu257Ile)

Gene: MUTYH (mutY DNA glycosylase; minus strand). Cytogenetic location: 1p34.1.
Variant type: single nucleotide variant.
Coding change: c.769C>A on transcript NM_001048174.2 (MANE Select); coding-DNA position 769, C replaced by A.
Protein change: p.Leu257Ile; replaces leucine 257 with isoleucine.
Molecular consequence: missense variant. On other transcripts: non-coding transcript variant (7).
Genome position (GRCh38, 1-based): chr1:45,332,246, G>T on the plus strand (C>A on the coding strand, the complement: MUTYH is on the minus strand). VCF-style: chr1-45332246-G-T. GRCh37 (hg19) VCF-style: chr1-45797918-G-T.
Other names: c.769C>A, p.Leu257Ile (NM_001048171.2, NM_001048173.2, NM_001293195.2 and 6 more transcripts); c.772C>A, p.Leu258Ile (NM_001048172.2, NM_001407071.1, NM_001407078.1 and 1 more transcripts); c.853C>A, p.Leu285Ile (NM_001128425.2); c.814C>A, p.Leu272Ile (NM_001293190.2); c.802C>A, p.Leu268Ile (NM_001293191.2, NM_001407069.1, NM_001407077.1); c.493C>A, p.Leu165Ile (NM_001293192.2, NM_001293196.2, NM_001407091.1); c.424C>A, p.Leu142Ile (NM_001350650.2, NM_001350651.2, NM_001407082.1); c.685C>A, p.Leu229Ile (NM_001407075.1); and 5 more; short protein forms L142I, L165I, L257I, L272I, L244I, L282I, L264I, L285I.
Identifiers: ClinVar variation 4659315 (VCV004659315.1).